The following is an entry in ClinVar:

ClinVar aggregate classification (germline): Likely benign. Review status: criteria provided, multiple submitters, no conflicts (2 of 4 stars). 2 submissions from 2 submitters: Likely benign (2). Last evaluated 2025-08-01.

Conditions:
Neurofibromatosis, type 1 (NF1). Also called: VON RECKLINGHAUSEN DISEASE; NEUROFIBROMATOSIS, TYPE I, SOMATIC; Peripheral type neurofibromatosis; Neurofibromatosis, type I. Identifiers: Orphanet 636, MedGen C0027831, MONDO:0018975, OMIM 162200. Disease mechanism: loss of function.

Submissions (2):

CeGaT Center for Human Genetics Tuebingen
Classification: Likely benign. Last evaluated: 2025-08-01. Review status: criteria provided, single submitter. Criteria: CeGaT Center For Human Genetics Tuebingen Variant Classification Criteria Version 2. Collection method: clinical testing. Allele origin: germline. Affected: yes. Observed: 1 variant allele.
Comment: NF1: PM2:Supporting, BP4, BP7

Labcorp Genetics (formerly Invitae), Labcorp
Classification: Likely benign for Neurofibromatosis, type 1. Last evaluated: 2020-11-03. Review status: criteria provided, single submitter. Criteria: Invitae Variant Classification Sherloc (09022015). Collection method: clinical testing. Allele origin: germline.

NM_001042492.3(NF1):c.7570C>T (p.Leu2524=)

Gene: NF1 (neurofibromin 1; plus strand). Cytogenetic location: 17q11.2.
Variant type: single nucleotide variant.
Coding change: c.7570C>T on transcript NM_001042492.3 (MANE Select); coding-DNA position 7570, C replaced by T.
Protein change: p.Leu2524=; no amino-acid change (leucine 2524 retained).
Molecular consequence: synonymous variant.
Genome position (GRCh38, 1-based): chr17:31,352,369, C>T. VCF-style: chr17-31352369-C-T. GRCh37 (hg19) VCF-style: chr17-29679387-C-T.
Other names: c.7507C>T, p.Leu2503= (NM_000267.4).
Identifiers: ClinVar variation 527632 (VCV000527632.14), dbSNP rs1555536366, ClinGen allele CA499239302.